The following is an entry in ClinVar:

ClinVar aggregate classification (germline): Uncertain significance (1 of 4 stars; one submission).

Conditions:
Pallister-Hall syndrome (PHS). Also called: HYPOTHALAMIC HAMARTOBLASTOMA, HYPOPITUITARISM, IMPERFORATE ANUS, AND POSTAXIAL POLYDACTYLY; GLI3-Related Pallister-Hall Syndrome. Identifiers: Orphanet 672, MedGen C0265220, MONDO:0007804, OMIM 146510.
Greig cephalopolysyndactyly syndrome (GCPS). Also called: GLI3-Related Greig Cephalopolysyndactyly Syndrome; POLYSYNDACTYLY WITH PECULIAR SKULL SHAPE; Greig syndrome. Identifiers: Orphanet 380, MedGen C0265306, MONDO:0008287, OMIM 175700.

Allele frequency attached by ClinVar (database versions not stated): gnomAD exomes below 0.00001.
gnomAD v4.1: 1 of 1,613,754 alleles (0.000062%); highest among the groups gnomAD compares: Non-Finnish European, 0.000085%; no homozygotes.

Submission:

Labcorp Genetics (formerly Invitae), Labcorp
Classification: Uncertain significance for Pallister-Hall syndrome; Greig cephalopolysyndactyly syndrome. Last evaluated: 2018-05-21. Review status: criteria provided, single submitter. Criteria: Invitae Variant Classification Sherloc (09022015). Collection method: clinical testing. Allele origin: germline.
Comment: This variant has not been reported in the literature in individuals with GLI3-related disease. This variant is not present in population databases (ExAC no frequency). This sequence change replaces serine with glycine at codon 1120 of the GLI3 protein (p.Ser1120Gly). The serine residue is moderately conserved and there is a small physicochemical difference between serine and glycine. Algorithms developed to predict the effect of missense changes on protein structure and function output the following: SIFT: "Tolerated"; PolyPhen-2: "Benign"; Align-GVGD: "Class C0". The glycine amino acid residue is found in multiple mammalian species, suggesting that this missense change does not adversely affect protein function. These predictions have not been confirmed by published functional studies and their clinical significance is uncertain. In summary, the available evidence is currently insufficient to determine the role of this variant in disease. Therefore, it has been classified as a Variant of Uncertain Significance.

NM_000168.6(GLI3):c.3358A>G (p.Ser1120Gly)

Gene: GLI3 (GLI family zinc finger 3; minus strand). Cytogenetic location: 7p14.1.
Variant type: single nucleotide variant.
Coding change: c.3358A>G on transcript NM_000168.6 (MANE Select); coding-DNA position 3358, A replaced by G.
Protein change: p.Ser1120Gly; replaces serine 1120 with glycine.
Molecular consequence: missense variant.
Genome position (GRCh38, 1-based): chr7:41,965,715, T>C on the plus strand (A>G on the coding strand, the complement: GLI3 is on the minus strand). VCF-style: chr7-41965715-T-C. GRCh37 (hg19) VCF-style: chr7-42005313-T-C.
Other names: short protein forms S1120G.
Identifiers: ClinVar variation 1024183 (VCV001024183.8), dbSNP rs1787150460, ClinGen allele CA367318327.